The following is an entry in ClinVar:

NM_003924.4(PHOX2B):c.697G>A (p.Gly233Arg)

Gene: PHOX2B (paired like homeobox 2B; minus strand). Cytogenetic location: 4p13.
Variant type: single nucleotide variant.
Coding change: c.697G>A on transcript NM_003924.4 (MANE Select); coding-DNA position 697, G replaced by A.
Protein change: p.Gly233Arg; replaces glycine 233 with arginine.
Molecular consequence: missense variant.
Genome position (GRCh38, 1-based): chr4:41,746,055, C>T on the plus strand (G>A on the coding strand, the complement: PHOX2B is on the minus strand). VCF-style: chr4-41746055-C-T. GRCh37 (hg19) VCF-style: chr4-41748072-C-T.
Other names: short protein forms G233R.
Identifiers: ClinVar variation 4967020 (VCV004967020.2).

ClinVar aggregate classification (germline): Uncertain significance. Review status: criteria provided, multiple submitters, no conflicts (2 of 4 stars). 2 submissions from 2 submitters: Uncertain significance (2). Last evaluated 2026-07-06.

Conditions:
Hereditary cancer-predisposing syndrome. Also called: Neoplastic Syndromes, Hereditary; Tumor predisposition; Hereditary Cancer Syndrome; Hereditary neoplastic syndrome. Identifiers: Orphanet 140162, MedGen C0027672, MeSH D009386, MONDO:0015356.

Submissions (2):

Ambry Genetics
Classification: Uncertain significance for Hereditary cancer-predisposing syndrome. Last evaluated: 2026-07-06. Review status: criteria provided, single submitter. Criteria: Ambry Variant Classification Scheme 2023. Collection method: clinical testing. Allele origin: germline.
Comment: The p.G233R variant (also known as c.697G>A), located in coding exon 3 of the PHOX2B gene, results from a G to A substitution at nucleotide position 697. The glycine at codon 233 is replaced by arginine, an amino acid with dissimilar properties. This amino acid position is conserved. In addition, the in silico prediction for this alteration is inconclusive. Based on the available evidence, the clinical significance of this variant remains unclear.

Blueprint Genetics
Classification: Uncertain significance. Last evaluated: 2023-10-18. Review status: criteria provided, single submitter. Criteria: ACMG Guidelines, 2015. Collection method: clinical testing. Allele origin: germline.